The following is an entry in ClinVar:

ClinVar aggregate classification (germline): Uncertain significance. Review status: criteria provided, multiple submitters, no conflicts (2 of 4 stars). 2 submissions from 2 submitters: Uncertain significance (2). Last evaluated 2025-11-23.

Conditions:
Cardiovascular phenotype. Identifiers: MedGen CN230736.
Brugada syndrome. Also called: Sudden Unexplained Death Syndrome; Sudden Unexplained Nocturnal Death Syndrome (SUNDS); Sudden unexpected nocturnal death syndrome; Sudden unexplained nocturnal death syndrome. Identifiers: Orphanet 130, MedGen C1142166, MONDO:0015263.

gnomAD v4.1: 5 of 1,613,932 alleles (0.00031%); highest among the groups gnomAD compares: South Asian, 0.0044%; no homozygotes.

Submissions (2):

Labcorp Genetics (formerly Invitae), Labcorp
Classification: Uncertain significance for Brugada syndrome. Last evaluated: 2025-11-23. Review status: criteria provided, single submitter. Criteria: Invitae Variant Classification Sherloc (09022015). Collection method: clinical testing. Allele origin: germline.
Comment: This sequence change replaces isoleucine, which is neutral and non-polar, with valine, which is neutral and non-polar, at codon 208 of the GPD1L protein (p.Ile208Val). This variant is present in population databases (no rsID available, gnomAD 0.003%). This variant has not been reported in the literature in individuals affected with GPD1L-related conditions. ClinVar contains an entry for this variant (Variation ID: 3521604). Invitae Evidence Modeling of protein sequence and biophysical properties (such as structural, functional, and spatial information, amino acid conservation, physicochemical variation, residue mobility, and thermodynamic stability) indicates that this missense variant is not expected to disrupt GPD1L protein function with a negative predictive value of 80%. In summary, the available evidence is currently insufficient to determine the role of this variant in disease. Therefore, it has been classified as a Variant of Uncertain Significance.

Ambry Genetics
Classification: Uncertain significance for Cardiovascular phenotype. Last evaluated: 2024-11-18. Review status: criteria provided, single submitter. Criteria: Ambry Variant Classification Scheme 2023. Collection method: clinical testing. Allele origin: germline.
Comment: The p.I208V variant (also known as c.622A>G), located in coding exon 6 of the GPD1L gene, results from an A to G substitution at nucleotide position 622. The isoleucine at codon 208 is replaced by valine, an amino acid with highly similar properties. This amino acid position is conserved. In addition, this alteration is predicted to be tolerated by in silico analysis. Based on the available evidence, the clinical significance of this variant remains unclear.

NM_015141.4(GPD1L):c.622A>G (p.Ile208Val)

Gene: GPD1L (glycerol-3-phosphate dehydrogenase 1 like; plus strand). Cytogenetic location: 3p22.3.
Variant type: single nucleotide variant.
Coding change: c.622A>G on transcript NM_015141.4 (MANE Select); coding-DNA position 622, A replaced by G.
Protein change: p.Ile208Val; replaces isoleucine 208 with valine.
Molecular consequence: missense variant.
Genome position (GRCh38, 1-based): chr3:32,158,879, A>G. VCF-style: chr3-32158879-A-G. GRCh37 (hg19) VCF-style: chr3-32200371-A-G.
Other names: short protein forms I208V.
Identifiers: ClinVar variation 3521604 (VCV003521604.2).
Genomic context (GRCh38, chr3:32,158,879, plus strand): 5'-ATCCATACCCGTGGTGGGTGCTGTAACGGCATCTGGGCTTTGTCATCTCCTTTGCAGAAC[A>G]TCGTAGCTGTGGGAGCTGGGTTCTGCGACGGCCTCCGCTGTGGAGACAACACCAAAGCGG-3'
Protein context (NP_055956.1, residues 198-218): TVELCGALKN[Ile208Val]VAVGAGFCDG